The following is an entry in ClinVar:

NM_170606.3(KMT2C):c.2233A>G (p.Ile745Val)

Gene: KMT2C (lysine methyltransferase 2C; minus strand). Cytogenetic location: 7q36.1.
Variant type: single nucleotide variant.
Coding change: c.2233A>G on transcript NM_170606.3 (MANE Select); coding-DNA position 2233, A replaced by G.
Protein change: p.Ile745Val; replaces isoleucine 745 with valine.
Molecular consequence: missense variant.
Genome position (GRCh38, 1-based): chr7:152,248,201, T>C on the plus strand (A>G on the coding strand, the complement: KMT2C is on the minus strand). VCF-style: chr7-152248201-T-C. GRCh37 (hg19) VCF-style: chr7-151945286-T-C.
Other names: short protein forms I745V.
Identifiers: ClinVar variation 3025957 (VCV003025957.22), dbSNP rs769543160, ClinGen allele CA4581283.

ClinVar aggregate classification (germline): Likely benign (1 of 4 stars; one submission).

Allele frequency attached by ClinVar (database versions not stated): ExAC 0.00003.

Submission:

CeGaT Center for Human Genetics Tuebingen
Classification: Likely benign. Last evaluated: 2024-01-01. Review status: criteria provided, single submitter. Criteria: CeGaT Center For Human Genetics Tuebingen Variant Classification Criteria Version 2. Collection method: clinical testing. Allele origin: germline. Affected: yes. Observed: 1 variant allele.
Comment: KMT2C: BP4